The following is an entry in ClinVar:

ClinVar aggregate classification (germline): Uncertain significance. Review status: criteria provided, multiple submitters, no conflicts (2 of 4 stars). 2 submissions from 2 submitters: Uncertain significance (2). Last evaluated 2025-08-14.

Conditions:
Inborn genetic diseases. Identifiers: MedGen C0950123, MeSH D030342.

Allele frequency attached by ClinVar (database versions not stated): gnomAD exomes below 0.00001; TOPMed below 0.00001.
gnomAD v4.1: 4 of 1,614,138 alleles (0.00025%); highest among the groups gnomAD compares: African/African-American, 0.0027%; no homozygotes.

Submissions (2):

Ambry Genetics
Classification: Uncertain significance for Inborn genetic diseases. Last evaluated: 2025-08-14. Review status: criteria provided, single submitter. Criteria: Ambry Variant Classification Scheme 2023. Collection method: clinical testing. Allele origin: germline.

Labcorp Genetics (formerly Invitae), Labcorp
Classification: Uncertain significance. Last evaluated: 2023-10-05. Review status: criteria provided, single submitter. Criteria: Invitae Variant Classification Sherloc (09022015). Collection method: clinical testing. Allele origin: germline.
Comment: This sequence change replaces alanine, which is neutral and non-polar, with serine, which is neutral and polar, at codon 275 of the VCAN protein (p.Ala275Ser). This variant is present in population databases (no rsID available, gnomAD 0.003%). This variant has not been reported in the literature in individuals affected with VCAN-related conditions. An algorithm developed to predict the effect of missense changes on protein structure and function (PolyPhen-2) suggests that this variant is likely to be disruptive. In summary, the available evidence is currently insufficient to determine the role of this variant in disease. Therefore, it has been classified as a Variant of Uncertain Significance.

NM_004385.5(VCAN):c.823G>T (p.Ala275Ser)

Gene: VCAN (versican; plus strand). Cytogenetic location: 5q14.3.
Variant type: single nucleotide variant.
Coding change: c.823G>T on transcript NM_004385.5 (MANE Select); coding-DNA position 823, G replaced by T.
Protein change: p.Ala275Ser; replaces alanine 275 with serine.
Molecular consequence: missense variant.
Genome position (GRCh38, 1-based): chr5:83,512,177, G>T. VCF-style: chr5-83512177-G-T. GRCh37 (hg19) VCF-style: chr5-82807996-G-T.
Other names: c.823G>T, p.Ala275Ser (NM_001126336.3, NM_001164097.2, NM_001164098.2); c.823G>T (NM_004385.4); short protein forms A275S.
Identifiers: ClinVar variation 2906466 (VCV002906466.4), dbSNP rs1428665148, ClinGen allele CA360297988.